The following is an entry in ClinVar:

NM_004519.4(KCNQ3):c.304G>T (p.Ala102Ser)

Gene: KCNQ3 (potassium voltage-gated channel subfamily Q member 3; minus strand). Cytogenetic location: 8q24.22.
Variant type: single nucleotide variant.
Coding change: c.304G>T on transcript NM_004519.4 (MANE Select); coding-DNA position 304, G replaced by T.
Protein change: p.Ala102Ser; replaces alanine 102 with serine.
Molecular consequence: missense variant.
Genome position (GRCh38, 1-based): chr8:132,480,229, C>A on the plus strand (G>T on the coding strand, the complement: KCNQ3 is on the minus strand). VCF-style: chr8-132480229-C-A. GRCh37 (hg19) VCF-style: chr8-133492476-C-A.
Other names: short protein forms A102S.
Identifiers: ClinVar variation 2989346 (VCV002989346.3), dbSNP rs867066299, ClinGen allele CA186258323.

ClinVar aggregate classification (germline): Uncertain significance (1 of 4 stars; one submission).

Conditions:
Benign neonatal seizures. Also called: Benign neonatal familial convulsions; Convulsions benign familial neonatal dominant form; Autosomal dominant form of benign neonatal seizures; Benign familial neonatal epilepsy; Benign familial neonatal seizures. Identifiers: Orphanet 1949, MedGen C0220669, MONDO:0016027.

gnomAD v4.1: 1 of 1,613,356 alleles (0.000062%); no homozygotes.

Submission:

Labcorp Genetics (formerly Invitae), Labcorp
Classification: Uncertain significance for Benign neonatal seizures. Last evaluated: 2024-10-22. Review status: criteria provided, single submitter. Criteria: Invitae Variant Classification Sherloc (09022015). Collection method: clinical testing. Allele origin: germline.
Comment: This sequence change replaces alanine, which is neutral and non-polar, with serine, which is neutral and polar, at codon 102 of the KCNQ3 protein (p.Ala102Ser). This variant is not present in population databases (gnomAD no frequency). This variant has not been reported in the literature in individuals affected with KCNQ3-related conditions. Invitae Evidence Modeling of protein sequence and biophysical properties (such as structural, functional, and spatial information, amino acid conservation, physicochemical variation, residue mobility, and thermodynamic stability) indicates that this missense variant is not expected to disrupt KCNQ3 protein function with a negative predictive value of 80%. In summary, the available evidence is currently insufficient to determine the role of this variant in disease. Therefore, it has been classified as a Variant of Uncertain Significance.